The following is an entry in ClinVar:

ClinVar aggregate classification (germline): Uncertain significance (1 of 4 stars; one submission).

Submission:

Labcorp Genetics (formerly Invitae), Labcorp
Classification: Uncertain significance. Last evaluated: 2022-03-22. Review status: criteria provided, single submitter. Criteria: Invitae Variant Classification Sherloc (09022015). Collection method: clinical testing. Allele origin: germline.
Comment: This sequence change replaces isoleucine, which is neutral and non-polar, with leucine, which is neutral and non-polar, at codon 556 of the GNPAT protein (p.Ile556Leu). This variant is not present in population databases (gnomAD no frequency). In summary, the available evidence is currently insufficient to determine the role of this variant in disease. Therefore, it has been classified as a Variant of Uncertain Significance. Algorithms developed to predict the effect of missense changes on protein structure and function are either unavailable or do not agree on the potential impact of this missense change (SIFT: "Deleterious"; PolyPhen-2: "Benign"; Align-GVGD: "Class C0"). This variant has not been reported in the literature in individuals affected with GNPAT-related conditions.

NM_014236.4(GNPAT):c.1666A>C (p.Ile556Leu)

Gene: GNPAT (glyceronephosphate O-acyltransferase; plus strand). Cytogenetic location: 1q42.2.
Variant type: single nucleotide variant.
Coding change: c.1666A>C on transcript NM_014236.4 (MANE Select); coding-DNA position 1666, A replaced by C.
Protein change: p.Ile556Leu; replaces isoleucine 556 with leucine.
Molecular consequence: missense variant.
Genome position (GRCh38, 1-based): chr1:231,273,985, A>C. VCF-style: chr1-231273985-A-C. GRCh37 (hg19) VCF-style: chr1-231409731-A-C.
Other names: c.1483A>C, p.Ile495Leu (NM_001316350.2); short protein forms I495L, I556L.
Identifiers: ClinVar variation 1386118 (VCV001386118.4), dbSNP rs1471925245, ClinGen allele CA345239293.
Genomic context (GRCh38, chr1:231,273,985, plus strand): 5'-TTTGAAGAAGGCTGTTACCTGCTTTGTAAAAGTGAAGCCATACAAGTGACTACGAAAGAC[A>C]TCCTAGTTACAGAGAAAGGAAATACTGTGTTAGAATTTTTAGTAGGACTCTTTAAACCTT-3'
Protein context (NP_055051.1, residues 546-566): SEAIQVTTKD[Ile556Leu]LVTEKGNTVL